The following is an entry in ClinVar:

NM_016938.5(EFEMP2):c.1234G>C (p.Val412Leu)

Genes: EFEMP2 (EGF-like fibulin extracellular matrix protein 2; minus strand), MUS81 (MUS81 structure-specific endonuclease subunit; plus strand). Cytogenetic location: 11q13.1.
Variant type: single nucleotide variant.
Coding change: c.1234G>C on transcript NM_016938.5 (MANE Select); coding-DNA position 1234, G replaced by C.
Protein change: p.Val412Leu; replaces valine 412 with leucine.
Molecular consequence: missense variant. On other transcripts: non-coding transcript variant (1).
Genome position (GRCh38, 1-based): chr11:65,867,016, C>G on the plus strand (G>C on the coding strand, the complement: EFEMP2 is on the minus strand). VCF-style: chr11-65867016-C-G. GRCh37 (hg19) VCF-style: chr11-65634487-C-G.
Other names: short protein forms V412L.
Identifiers: ClinVar variation 581197 (VCV000581197.12), dbSNP rs146879673, ClinGen allele CA6110359.
Genomic context (GRCh38, chr11:65,867,016, plus strand): 5'-GTACAGAGCTGGCCCGGTAGCTCATGAGGGAATTCATGGTGACCATCTCCAGGTCCAGCA[C>G]GTACTCCCGGGGGCCCGTCACCGGCCGGGCGAGGACCAGCATGGCGCTGACGTTGTTGAT-3'
Protein context (NP_058634.4, residues 402-422): ARPVTGPREY[Val412Leu]LDLEMVTMNS

ClinVar aggregate classification (germline): Uncertain significance. Review status: criteria provided, multiple submitters, no conflicts (2 of 4 stars). 3 submissions from 3 submitters: Uncertain significance (3). Last evaluated 2025-01-13.

Conditions:
Cardiovascular phenotype. Identifiers: MedGen CN230736.
Cutis laxa, autosomal recessive, type 1B (ARCL1B). Also called: CUTIS LAXA, AUTOSOMAL RECESSIVE, TYPE IB; EFEMP2-Related Cutis Laxa. Identifiers: Orphanet 90349, MedGen C3280798, MONDO:0013754, OMIM 614437. Disease mechanism: loss of function.

Allele frequency attached by ClinVar (database versions not stated): ESP Exome Variant Server 0.00008.
gnomAD v4.1: 10 of 1,614,172 alleles (0.00062%); highest among the groups gnomAD compares: Non-Finnish European, 0.00042%; no homozygotes.

Submissions (3):

Ambry Genetics
Classification: Uncertain significance for Cardiovascular phenotype. Last evaluated: 2025-01-13. Review status: criteria provided, single submitter. Criteria: Ambry Variant Classification Scheme 2023. Collection method: clinical testing. Allele origin: germline.
Comment: The p.V412L variant (also known as c.1234G>C), located in coding exon 10 of the EFEMP2 gene, results from a G to C substitution at nucleotide position 1234. The valine at codon 412 is replaced by leucine, an amino acid with highly similar properties. This amino acid position is conserved. In addition, the in silico prediction for this alteration is inconclusive. Based on the available evidence, the clinical significance of this variant remains unclear.

GeneDx
Classification: Uncertain significance. Last evaluated: 2024-12-10. Review status: criteria provided, single submitter. Criteria: GeneDx Variant Classification Process June 2021. Collection method: clinical testing. Allele origin: germline. Affected: yes.
Comment: Not observed at significant frequency in large population cohorts (gnomAD); In silico analysis indicates that this missense variant does not alter protein structure/function; Has not been previously published as pathogenic or benign to our knowledge

Labcorp Genetics (formerly Invitae), Labcorp
Classification: Uncertain significance for Cutis laxa, autosomal recessive, type 1B. Last evaluated: 2022-05-09. Review status: criteria provided, single submitter. Criteria: Invitae Variant Classification Sherloc (09022015). Collection method: clinical testing. Allele origin: germline.
Comment: ClinVar contains an entry for this variant (Variation ID: 581197). This sequence change replaces valine, which is neutral and non-polar, with leucine, which is neutral and non-polar, at codon 412 of the EFEMP2 protein (p.Val412Leu). This variant is present in population databases (rs146879673, gnomAD 0.01%). This variant has not been reported in the literature in individuals affected with EFEMP2-related conditions. Algorithms developed to predict the effect of missense changes on protein structure and function are either unavailable or do not agree on the potential impact of this missense change (SIFT: "Deleterious"; PolyPhen-2: "Benign"; Align-GVGD: "Class C25"). In summary, the available evidence is currently insufficient to determine the role of this variant in disease. Therefore, it has been classified as a Variant of Uncertain Significance.